The following is an entry in ClinVar:

NM_001243133.2(NLRP3):c.3095C>A (p.Pro1032His)

Gene: NLRP3 (NLR family pyrin domain containing 3; plus strand). Cytogenetic location: 1q44.
Variant type: single nucleotide variant.
Coding change: c.3095C>A on transcript NM_001243133.2 (MANE Select); coding-DNA position 3095, C replaced by A.
Protein change: p.Pro1032His; replaces proline 1032 with histidine.
Molecular consequence: missense variant.
Genome position (GRCh38, 1-based): chr1:247,448,494, C>A. VCF-style: chr1-247448494-C-A. GRCh37 (hg19) VCF-style: chr1-247611796-C-A.
Other names: c.3095C>A, p.Pro1032His (NM_001079821.3); c.2924C>A, p.Pro975His (NM_001127461.3, NM_001127462.3); c.3101C>A, p.Pro1034His (NM_004895.5); c.2753C>A, p.Pro918His (NM_183395.3); short protein forms P1032H, P1034H, P918H, P975H.
Identifiers: ClinVar variation 1315347 (VCV001315347.4), dbSNP rs2103261854, ClinGen allele CA345567084.

ClinVar aggregate classification (germline): Uncertain significance. Review status: criteria provided, multiple submitters, no conflicts (2 of 4 stars). 2 submissions from 2 submitters: Uncertain significance (2). Last evaluated 2023-08-17.

Conditions:
Cryopyrin associated periodic syndrome (CAPS). Identifiers: Orphanet 208650, MedGen C2316212, MONDO:0016168.

Submissions (2):

Labcorp Genetics (formerly Invitae), Labcorp
Classification: Uncertain significance for Cryopyrin associated periodic syndrome. Last evaluated: 2023-08-17. Review status: criteria provided, single submitter. Criteria: Invitae Variant Classification Sherloc (09022015). Collection method: clinical testing. Allele origin: germline.
Comment: In summary, the available evidence is currently insufficient to determine the role of this variant in disease. Therefore, it has been classified as a Variant of Uncertain Significance. Advanced modeling of protein sequence and biophysical properties (such as structural, functional, and spatial information, amino acid conservation, physicochemical variation, residue mobility, and thermodynamic stability) performed at Invitae indicates that this missense variant is not expected to disrupt NLRP3 protein function. ClinVar contains an entry for this variant (Variation ID: 1315347). This variant has not been reported in the literature in individuals affected with NLRP3-related conditions. This variant is not present in population databases (gnomAD no frequency). This sequence change replaces proline, which is neutral and non-polar, with histidine, which is basic and polar, at codon 1034 of the NLRP3 protein (p.Pro1034His).

GeneDx
Classification: Uncertain significance. Last evaluated: 2020-03-23. Review status: criteria provided, single submitter. Criteria: GeneDx Variant Classification Process June 2021. Collection method: clinical testing. Allele origin: germline. Affected: yes.
Comment: Not observed in large population cohorts (Lek et al., 2016); In silico analysis supports that this missense variant has a deleterious effect on protein structure/function; Has not been previously published as pathogenic or benign to our knowledge; Also denoted as P1032H due to alternative nomenclature